The following is an entry in ClinVar:

NM_001692.4(ATP6V1B1):c.138C>T (p.Ser46=)

Genes: ATP6V1B1 (ATPase H+ transporting V1 subunit B1; plus strand), ATP6V1B1-AS1 (ATP6V1B1 antisense RNA 1; minus strand). Cytogenetic location: 2p13.3.
Variant type: single nucleotide variant.
Coding change: c.138C>T on transcript NM_001692.4 (MANE Select); coding-DNA position 138, C replaced by T.
Protein change: p.Ser46=; no amino-acid change (serine 46 retained).
Molecular consequence: synonymous variant.
Genome position (GRCh38, 1-based): chr2:70,943,677, C>T. VCF-style: chr2-70943677-C-T. GRCh37 (hg19) VCF-style: chr2-71170807-C-T.
Other names: p.Ser46=.
Identifiers: ClinVar variation 44225 (VCV000044225.25), dbSNP rs2266918, ClinGen allele CA133778.

ClinVar aggregate classification (germline): Benign. Review status: criteria provided, multiple submitters, no conflicts (2 of 4 stars). 11 submissions from 11 submitters: Benign (10). 1 of the submissions does not count toward it. Last evaluated 2026-03-27.

Conditions:
Renal tubular acidosis with progressive nerve deafness. Also called: renal tubular acidosis, distal, 2, with progressive sensorineural hearing loss; Distal Renal Tubular Acidosis with Progressive Sensorineural Deafness; RENAL TUBULAR ACIDOSIS, AUTOSOMAL RECESSIVE, WITH PROGRESSIVE NERVE DEAFNESS; RTA WITH PROGRESSIVE NERVE DEAFNESS. Identifiers: MedGen C0403554, MONDO:0009968, OMIM 267300.

Allele frequency attached by ClinVar (database versions not stated): ESP Exome Variant Server 0.15677; TOPMed 0.17525; gnomAD 0.17658 and 0.18858; gnomAD exomes 0.20356 and 0.24008; ExAC 0.24068; 1000 Genomes Project 30x 0.27217; 1000 Genomes Project 0.27955.
gnomAD v4.1: 327,124 of 1,613,456 alleles (20%); highest among the groups gnomAD compares: East Asian, 54%; 38,987 homozygotes.

Submissions (11):

Women's Health and Genetics/Laboratory Corporation of America, LabCorp
Classification: Benign. Last evaluated: 2026-03-27. Review status: criteria provided, single submitter. Criteria: LabCorp Variant Classification Summary - May 2015. Collection method: clinical testing. Allele origin: germline.

Labcorp Genetics (formerly Invitae), Labcorp
Classification: Benign. Last evaluated: 2026-02-04. Review status: criteria provided, single submitter. Criteria: Invitae Variant Classification Sherloc (09022015). Collection method: clinical testing. Allele origin: germline.

Blueprint Genetics
Classification: Benign. Last evaluated: 2024-11-26. Review status: criteria provided, single submitter. Criteria: ACMG Guidelines, 2015. Collection method: clinical testing. Allele origin: germline.

Mayo Clinic Laboratories, Mayo Clinic
Classification: Benign. Last evaluated: 2022-03-09. Review status: criteria provided, single submitter. Criteria: ACMG Guidelines, 2015. Collection method: clinical testing. Allele origin: germline. Observed: 109 variant alleles.

Genome-Nilou Lab
Classification: Benign for Renal tubular acidosis with progressive nerve deafness. Last evaluated: 2021-07-10. Review status: criteria provided, single submitter. Criteria: ACMG Guidelines, 2015. Collection method: clinical testing. Allele origin: germline. Affected: no.

Illumina Laboratory Services, Illumina
Classification: Benign for Renal tubular acidosis with progressive nerve deafness. Last evaluated: 2018-01-13. Review status: criteria provided, single submitter. Criteria: ICSL Variant Classification Criteria 13 December 2019. Collection method: clinical testing. Allele origin: germline.
Comment: This variant was observed in the ICSL laboratory as part of a predisposition screen in an ostensibly healthy population. It had not been previously curated by ICSL or reported in the Human Gene Mutation Database (HGMD: prior to June 1st, 2018), and was therefore a candidate for classification through an automated scoring system. Utilizing variant allele frequency, disease prevalence and penetrance estimates, and inheritance mode, an automated score was calculated to assess if this variant is too frequent to cause the disease. Based on the score and internal cut-off values, a variant classified as benign is not then subjected to further curation. The score for this variant resulted in a classification of benign for this disease.

GeneDx
Classification: Benign. Last evaluated: 2017-05-09. Review status: criteria provided, single submitter. Criteria: GeneDx Variant Classification (06012015). Collection method: clinical testing. Allele origin: germline. Affected: yes.
Comment: This variant is considered likely benign or benign based on one or more of the following criteria: it is a conservative change, it occurs at a poorly conserved position in the protein, it is predicted to be benign by multiple in silico algorithms, and/or has population frequency not consistent with disease.

Laboratory for Molecular Medicine, Mass General Brigham Personalized Medicine
Classification: Benign. Last evaluated: 2012-05-07. Review status: criteria provided, single submitter. Criteria: LMM Criteria. Collection method: clinical testing. Allele origin: germline. Observed: 594 variant alleles.
Comment: "Ser46Ser in Exon 02 of ATP6V1B1: This variant is not expected to have clinical significance because it does not alter an amino acid residue, is not located wit hin the splice consensus sequence, and has been identified in 17.7% (1240/7020) of European American chromosomes from a broad population by the NHLBI Exome Sequ encing Project (dbSNP rs2266918)."

Breakthrough Genomics
Classification: Benign. Review status: criteria provided, single submitter. Criteria: ACMG Guidelines, 2015. Collection method: not provided. Allele origin: germline. Inheritance: Autosomal recessive inheritance. Affected: yes.

PreventionGenetics, part of Exact Sciences
Classification: Benign. Review status: criteria provided, single submitter. Criteria: ACMG Guidelines, 2015. Collection method: clinical testing. Allele origin: germline.

Natera, Inc.
Classification: Benign for Renal tubular acidosis with progressive nerve deafness. Last evaluated: 2020-09-16. Review status: no assertion criteria provided. Collection method: clinical testing. Allele origin: germline. Not counted in ClinVar's aggregate classification.